The following is an entry in ClinVar:

ClinVar aggregate classification (germline): Uncertain significance (1 of 4 stars; one submission).

Conditions:
Centromeric instability of chromosomes 1,9 and 16 and immunodeficiency (ICF1). Also called: IMMUNE DEFICIENCY, VARIABLE, WITH CENTROMERIC INSTABILITY OF CHROMOSOMES 1, 9, AND 16; IMMUNODEFICIENCY SYNDROME, VARIABLE; CENTROMERIC INSTABILITY, IMMUNODEFICIENCY SYNDROME; Immunodeficiency-centromeric instability-facial anomalies. Identifiers: Orphanet 2268, MedGen C0398788, MONDO:0000133.

Allele frequency attached by ClinVar (database versions not stated): gnomAD exomes 0.00001 and 0.00002; TOPMed 0.00001; ExAC 0.00005; 1000 Genomes Project 30x 0.00031; 1000 Genomes Project 0.00040.
gnomAD v4.1: 10 of 1,614,218 alleles (0.00062%); highest among the groups gnomAD compares: East Asian, 0.0045%; no homozygotes.

Submission:

Labcorp Genetics (formerly Invitae), Labcorp
Classification: Uncertain significance for Centromeric instability of chromosomes 1,9 and 16 and immunodeficiency. Last evaluated: 2021-11-13. Review status: criteria provided, single submitter. Criteria: Invitae Variant Classification Sherloc (09022015). Collection method: clinical testing. Allele origin: germline.
Comment: This sequence change replaces arginine, which is basic and polar, with tryptophan, which is neutral and slightly polar, at codon 539 of the DNMT3B protein (p.Arg539Trp). This variant is present in population databases (rs562665925, gnomAD 0.01%). This variant has not been reported in the literature in individuals affected with DNMT3B-related conditions. ClinVar contains an entry for this variant (Variation ID: 834668). Algorithms developed to predict the effect of missense changes on protein structure and function (SIFT, PolyPhen-2, Align-GVGD) all suggest that this variant is likely to be disruptive. In summary, the available evidence is currently insufficient to determine the role of this variant in disease. Therefore, it has been classified as a Variant of Uncertain Significance.

NM_006892.4(DNMT3B):c.1615C>T (p.Arg539Trp)

Genes: DNMT3B (DNA methyltransferase 3 beta; plus strand), LOC126863014 (CDK7 strongly-dependent group 2 enhancer GRCh37_chr20:31385992-31387191; plus strand). Cytogenetic location: 20q11.21.
Variant type: single nucleotide variant.
Coding change: c.1615C>T on transcript NM_006892.4 (MANE Select); coding-DNA position 1615, C replaced by T.
Protein change: p.Arg539Trp; replaces arginine 539 with tryptophan.
Molecular consequence: missense variant.
Genome position (GRCh38, 1-based): chr20:32,798,584, C>T. VCF-style: chr20-32798584-C-T. GRCh37 (hg19) VCF-style: chr20-31386390-C-T.
Other names: c.1429C>T, p.Arg477Trp (NM_001207055.2); c.1327C>T, p.Arg443Trp (NM_001207056.2); c.1555C>T, p.Arg519Trp (NM_175848.2, NM_175849.2); c.1591C>T, p.Arg531Trp (NM_175850.3); short protein forms R477W, R519W, R443W, R531W, R539W.
Identifiers: ClinVar variation 834668 (VCV000834668.5), dbSNP rs562665925, ClinGen allele CA9810648.